The following is an entry in ClinVar:

ClinVar aggregate classification (germline): Uncertain significance (1 of 4 stars; one submission).

Allele frequency attached by ClinVar (database versions not stated): TOPMed below 0.00001; gnomAD exomes 0.00001.
gnomAD v4.1: 8 of 1,613,830 alleles (0.0005%); highest among the groups gnomAD compares: African/African-American, 0.0013%; no homozygotes.

Submission:

Labcorp Genetics (formerly Invitae), Labcorp
Classification: Uncertain significance. Last evaluated: 2023-11-13. Review status: criteria provided, single submitter. Criteria: Invitae Variant Classification Sherloc (09022015). Collection method: clinical testing. Allele origin: germline.
Comment: This sequence change replaces valine, which is neutral and non-polar, with methionine, which is neutral and non-polar, at codon 143 of the MICAL1 protein (p.Val143Met). This variant is present in population databases (no rsID available, gnomAD 0.007%). This variant has not been reported in the literature in individuals affected with MICAL1-related conditions. An algorithm developed to predict the effect of missense changes on protein structure and function (PolyPhen-2) suggests that this variant is likely to be disruptive. In summary, the available evidence is currently insufficient to determine the role of this variant in disease. Therefore, it has been classified as a Variant of Uncertain Significance.

NM_022765.4(MICAL1):c.370G>A (p.Val124Met)

Gene: MICAL1 (microtubule associated monooxygenase, calponin and LIM domain containing 1; minus strand). Cytogenetic location: 6q21.
Variant type: single nucleotide variant.
Coding change: c.370G>A on transcript NM_022765.4 (MANE Select); coding-DNA position 370, G replaced by A.
Protein change: p.Val124Met; replaces valine 124 with methionine.
Molecular consequence: missense variant.
Genome position (GRCh38, 1-based): chr6:109,453,734, C>T on the plus strand (G>A on the coding strand, the complement: MICAL1 is on the minus strand). VCF-style: chr6-109453734-C-T. GRCh37 (hg19) VCF-style: chr6-109774937-C-T.
Other names: c.370G>A, p.Val124Met (NM_001159291.2); c.427G>A, p.Val143Met (NM_001286613.2); short protein forms V124M, V143M.
Identifiers: ClinVar variation 2996776 (VCV002996776.3), dbSNP rs1256879195, ClinGen allele CA365233450.